The following is an entry in ClinVar:

NM_002029.4(FPR1):c.539T>A (p.Phe180Tyr)

Gene: FPR1 (formyl peptide receptor 1; minus strand). Cytogenetic location: 19q13.41.
Variant type: single nucleotide variant.
Coding change: c.539T>A on transcript NM_002029.4 (MANE Select); coding-DNA position 539, T replaced by A.
Protein change: p.Phe180Tyr; replaces phenylalanine 180 with tyrosine.
Molecular consequence: missense variant.
Genome position (GRCh38, 1-based): chr19:51,746,456, A>T on the plus strand (T>A on the coding strand, the complement: FPR1 is on the minus strand). VCF-style: chr19-51746456-A-T. GRCh37 (hg19) VCF-style: chr19-52249709-A-T.
Other names: c.539T>A, p.Phe180Tyr (NM_001193306.2); short protein forms F180Y.
Identifiers: ClinVar variation 3677522 (VCV003677522.2).
Genomic context (GRCh38, chr19:51,746,456, plus strand): 5'-ACCGTCAACATGGCAACGGCCACATTTATCCTCTCTTTAGGGTCGTTGGTCCAGGGCGAA[A>T]AGTTAAAAGTGCAGGCTACTGTCCCCGTTTTACCAGGTACTGTAGTCACACGAATGATAA-3'
Protein context (NP_002020.1, residues 170-190): KTGTVACTFN[Phe180Tyr]SPWTNDPKER

ClinVar aggregate classification (germline): Uncertain significance (1 of 4 stars; one submission).

Conditions:
Gingival disorder. Also called: Gingival disease. Identifiers: MedGen C0017563, MONDO:0002021.

gnomAD v4.1: 2 of 1,614,036 alleles (0.00012%); highest among the groups gnomAD compares: Non-Finnish European, 0.000085%; no homozygotes.

Submission:

Labcorp Genetics (formerly Invitae), Labcorp
Classification: Uncertain significance for Gingival disorder. Last evaluated: 2024-08-06. Review status: criteria provided, single submitter. Criteria: Invitae Variant Classification Sherloc (09022015). Collection method: clinical testing. Allele origin: germline.
Comment: This sequence change replaces phenylalanine, which is neutral and non-polar, with tyrosine, which is neutral and polar, at codon 180 of the FPR1 protein (p.Phe180Tyr). This variant is present in population databases (rs778425990, gnomAD 0.0009%). This variant has not been reported in the literature in individuals affected with FPR1-related conditions. An algorithm developed to predict the effect of missense changes on protein structure and function (PolyPhen-2) suggests that this variant is likely to be tolerated. In summary, the available evidence is currently insufficient to determine the role of this variant in disease. Therefore, it has been classified as a Variant of Uncertain Significance.